The following is an entry in ClinVar:

NM_001267550.2(TTN):c.18417G>A (p.Trp6139Ter)

Genes: TTN (titin; minus strand), LOC126806430 (BRD4-independent group 4 enhancer GRCh37_chr2:179593794-179594993; plus strand). Cytogenetic location: 2q31.2.
Variant type: single nucleotide variant.
Coding change: c.18417G>A on transcript NM_001267550.2 (MANE Select); coding-DNA position 18417, G replaced by A.
Protein change: p.Trp6139Ter; replaces tryptophan 6139 with a stop codon.
Molecular consequence: nonsense. On other transcripts: intron variant (3).
Genome position (GRCh38, 1-based): chr2:178,729,836, C>T on the plus strand (G>A on the coding strand, the complement: TTN is on the minus strand). VCF-style: chr2-178729836-C-T. GRCh37 (hg19) VCF-style: chr2-179594563-C-T.
Other names: c.17466G>A, p.Trp5822Ter (NM_001256850.1); c.14685G>A, p.Trp4895Ter (NM_133378.4); c.13282+8246G>A (NM_003319.4); c.13858+8246G>A (NM_133437.4); c.13657+8246G>A (NM_133432.3); short protein forms W4895*, W5822*, W6139*.
Identifiers: ClinVar variation 3763753 (VCV003763753.2).

ClinVar aggregate classification (germline): Likely pathogenic (1 of 4 stars; one submission).

Conditions:
Autosomal recessive limb-girdle muscular dystrophy type 2J (LGMDR10). Also called: Limb-girdle muscular dystrophy, type 2J; MUSCULAR DYSTROPHY, LIMB-GIRDLE, AUTOSOMAL RECESSIVE 10. Identifiers: Orphanet 140922, MedGen C1837342, MONDO:0012127, OMIM 608807.
Dilated cardiomyopathy 1G (CMD1G). Identifiers: Orphanet 154, MedGen C1858763, MONDO:0011400, OMIM 604145.

Submission:

Labcorp Genetics (formerly Invitae), Labcorp
Classification: Likely pathogenic for Dilated cardiomyopathy 1G; Autosomal recessive limb-girdle muscular dystrophy type 2J. Last evaluated: 2024-10-18. Review status: criteria provided, single submitter. Criteria: Invitae Variant Classification Sherloc (09022015). Collection method: clinical testing. Allele origin: germline.
Comment: This sequence change creates a premature translational stop signal (p.Trp6139*) in the TTN gene. While this is not anticipated to result in nonsense mediated decay, it is expected to create a truncated TTN protein. This variant is not present in population databases (gnomAD no frequency). This variant has not been reported in the literature in individuals affected with TTN-related conditions. This variant is located in the I band of TTN (PMID: 25589632). Truncating variants in this region have been reported in individuals affected with autosomal recessive centronuclear myopathy (PMID: 23975875, internal data). Truncating variants in this region have also been identified in individuals affected with autosomal dominant dilated cardiomyopathy and/or cardio-related conditions (PMID: 27869827, 32964742, internal data). In summary, the currently available evidence indicates that the variant is pathogenic, but additional data are needed to prove that conclusively. Therefore, this variant has been classified as Likely Pathogenic.

Literature cited by the submitters: PubMed 25589632; PubMed 23975875; PubMed 27869827; PubMed 32964742.